The following is an entry in ClinVar:

ClinVar aggregate classification (germline): Pathogenic (1 of 4 stars; one submission).

Submission:

GeneDx
Classification: Pathogenic. Last evaluated: 2022-08-16. Review status: criteria provided, single submitter. Criteria: GeneDx Variant Classification Process June 2021. Collection method: clinical testing. Allele origin: germline. Affected: yes.
Comment: Nonsense variant predicted to result in protein truncation or nonsense mediated decay in a gene for which loss of function is a known mechanism of disease; Not observed at significant frequency in large population cohorts (gnomAD); Has not been previously published as pathogenic or benign to our knowledge

NM_080632.3(UPF3B):c.1157_1158del (p.Thr385_Phe386insTer)

Gene: UPF3B (UPF3B regulator of nonsense mediated mRNA decay; minus strand). Cytogenetic location: Xq24.
Variant type: Deletion.
Coding change: c.1157_1158del on transcript NM_080632.3 (MANE Select); coding-DNA positions 1157 to 1158, 2 bases deleted (TT; older notation c.1157_1158delTT).
Protein change: p.Thr385_Phe386insTer.
Molecular consequence: nonsense.
Genome position (GRCh38, 1-based): chrX:119,837,901-119,837,902, AA deleted on the plus strand (TT on the coding strand, the reverse complement: UPF3B is on the minus strand); deleting any 2 consecutive bases within chrX:119,837,901-119,837,904 gives the same sequence; the c. name uses the placement nearest the transcript's 3' end. VCF-style (leftmost placement, unchanged base first): chrX-119837900-TAA-T. GRCh37 (hg19) VCF-style: chrX-118971863-TAA-T.
Other names: c.1118_1119del, p.Thr372_Phe373insTer (NM_023010.4).
Identifiers: ClinVar variation 2430883 (VCV002430883.1), dbSNP rs2521510445, ClinGen allele CA2580100257.